The following is an entry in ClinVar:

ClinVar aggregate classification (germline): Conflicting classifications of pathogenicity. Review status: criteria provided, conflicting classifications (1 of 4 stars). 2 submissions from 2 submitters: Pathogenic (1); Uncertain significance (1). Last evaluated 2023-02-18.

Conditions:
Idiopathic generalized epilepsy. Also called: Generalised epilepsy; EIG. Identifiers: MedGen C0270850, MONDO:0005579, OMIM 600669.
Epilepsy, idiopathic generalized, susceptibility to, 13. Also called: EPILEPSY, JUVENILE MYOCLONIC, SUSCEPTIBILITY TO, 5. Identifiers: Orphanet 307, Orphanet 64280, MedGen C4013473, MONDO:0012627, OMIM 611136.
Epilepsy, childhood absence 4 (ECA4). Also called: EPILEPSY, CHILDHOOD ABSENCE, SUSCEPTIBILITY TO, 4. Identifiers: Orphanet 307, MedGen C1970160.

Submissions (2):

Uskudar University, Department of Molecular Biology and Genetics, Uskudar University
Classification: Pathogenic for Epilepsy, childhood absence 4; Epilepsy, idiopathic generalized, susceptibility to, 13; Idiopathic generalized epilepsy. Last evaluated: 2023-02-18. Review status: criteria provided, single submitter. Criteria: ACMG Guidelines, 2015. Collection method: research. Allele origin: germline.

Labcorp Genetics (formerly Invitae), Labcorp
Classification: Uncertain significance for Epilepsy, childhood absence 4; Epilepsy, idiopathic generalized, susceptibility to, 13; Idiopathic generalized epilepsy. Last evaluated: 2022-07-12. Review status: criteria provided, single submitter. Criteria: Invitae Variant Classification Sherloc (09022015). Collection method: clinical testing. Allele origin: germline.
Comment: This sequence change replaces threonine, which is neutral and polar, with arginine, which is basic and polar, at codon 294 of the GABRA1 protein (p.Thr294Arg). This variant is not present in population databases (gnomAD no frequency). This variant has not been reported in the literature in individuals affected with GABRA1-related conditions. ClinVar contains an entry for this variant (Variation ID: 1026791). Algorithms developed to predict the effect of missense changes on protein structure and function (SIFT, PolyPhen-2, Align-GVGD) all suggest that this variant is likely to be disruptive. In summary, the available evidence is currently insufficient to determine the role of this variant in disease. Therefore, it has been classified as a Variant of Uncertain Significance.

Literature cited by the submitters: PubMed 37809401 (cited by Uskudar University, Department of Molecular Biology and Genetics, Uskudar University).

NM_001127644.2(GABRA1):c.881C>G (p.Thr294Arg)

Gene: GABRA1 (gamma-aminobutyric acid type A receptor subunit alpha1; plus strand). Cytogenetic location: 5q34.
Variant type: single nucleotide variant.
Coding change: c.881C>G on transcript NM_001127644.2 (MANE Select); coding-DNA position 881, C replaced by G.
Protein change: p.Thr294Arg; replaces threonine 294 with arginine.
Molecular consequence: missense variant.
Genome position (GRCh38, 1-based): chr5:161,895,690, C>G. VCF-style: chr5-161895690-C-G. GRCh37 (hg19) VCF-style: chr5-161322696-C-G.
Other names: c.881C>G, p.Thr294Arg (NM_000806.5, NM_001127643.2, NM_001127645.2 and 1 more transcripts); short protein forms T294R.
Identifiers: ClinVar variation 1026791 (VCV001026791.9), dbSNP rs796052495, ClinGen allele CA362180117.